The following is an entry in ClinVar:

NM_004764.5(PIWIL1):c.1503G>A (p.Thr501=)

Gene: PIWIL1 (piwi like RNA-mediated gene silencing 1; plus strand). Cytogenetic location: 12q24.33.
Variant type: single nucleotide variant.
Coding change: c.1503G>A on transcript NM_004764.5 (MANE Select); coding-DNA position 1503, G replaced by A.
Protein change: p.Thr501=; no amino-acid change (threonine 501 retained).
Molecular consequence: synonymous variant.
Genome position (GRCh38, 1-based): chr12:130,357,016, G>A. VCF-style: chr12-130357016-G-A. GRCh37 (hg19) VCF-style: chr12-130841561-G-A.
Other names: c.1503G>A, p.Thr501= (NM_001190971.2).
Identifiers: ClinVar variation 3041646 (VCV003041646.2), dbSNP rs1106041, ClinGen allele CA6877274.

ClinVar aggregate classification (germline): Benign (0 of 4 stars; one submission).

Conditions:
PIWIL1-related disorder. Also called: PIWIL1-related condition.

Allele frequency attached by ClinVar (database versions not stated): gnomAD exomes 0.00142; ExAC 0.00436; gnomAD 0.01424; ESP Exome Variant Server 0.01492; TOPMed 0.01600; 1000 Genomes Project 0.01817; 1000 Genomes Project 30x 0.01983.
gnomAD v4.1: 4,383 of 1,613,604 alleles (0.27%); highest among the groups gnomAD compares: African/African-American, 4.8%; 97 homozygotes.

Submission:

PreventionGenetics, part of Exact Sciences
Classification: Benign for PIWIL1-related condition. Last evaluated: 2019-02-21. Review status: no assertion criteria provided. Collection method: clinical testing. Allele origin: germline.
Comment: This variant is classified as benign based on ACMG/AMP sequence variant interpretation guidelines (Richards et al. 2015 PMID: 25741868, with internal and published modifications).